The following is an entry in ClinVar:

NM_000760.4(CSF3R):c.251A>C (p.Glu84Ala)

Gene: CSF3R (colony stimulating factor 3 receptor; minus strand). Cytogenetic location: 1p34.3.
Variant type: single nucleotide variant.
Coding change: c.251A>C on transcript NM_000760.4 (MANE Select); coding-DNA position 251, A replaced by C.
Protein change: p.Glu84Ala; replaces glutamic acid 84 with alanine.
Molecular consequence: missense variant.
Genome position (GRCh38, 1-based): chr1:36,475,487, T>G on the plus strand (A>C on the coding strand, the complement: CSF3R is on the minus strand). VCF-style: chr1-36475487-T-G. GRCh37 (hg19) VCF-style: chr1-36941088-T-G.
Other names: p.Glu84Ala; c.251A>C, p.Glu84Ala (NM_156039.3, NM_172313.3); c.251A>C (NM_000760.3); short protein forms E84A.
Identifiers: ClinVar variation 1448923 (VCV001448923.9), dbSNP rs565088221, ClinGen allele CA769528.

ClinVar aggregate classification (germline): Uncertain significance. Review status: criteria provided, multiple submitters, no conflicts (2 of 4 stars). 3 submissions from 3 submitters: Uncertain significance (3). Last evaluated 2024-10-25.

Conditions:
Inborn genetic diseases. Identifiers: MedGen C0950123, MeSH D030342.
Autosomal recessive severe congenital neutropenia due to CSF3R deficiency. Also called: Neutropenia, severe congenital, 7, autosomal recessive. Identifiers: Orphanet 420702, MedGen C4310764, MONDO:0014865, OMIM 617014.

Allele frequency attached by ClinVar (database versions not stated): ExAC 0.00001; gnomAD exomes 0.00001; gnomAD 0.00007 and 0.00008; TOPMed 0.00013; 1000 Genomes Project 30x 0.00016; 1000 Genomes Project 0.00020.
gnomAD v4.1: 25 of 1,614,042 alleles (0.0015%); highest among the groups gnomAD compares: Admixed American, 0.03%; no homozygotes.

Submissions (3):

Labcorp Genetics (formerly Invitae), Labcorp
Classification: Uncertain significance for Autosomal recessive severe congenital neutropenia due to CSF3R deficiency. Last evaluated: 2024-10-25. Review status: criteria provided, single submitter. Criteria: Invitae Variant Classification Sherloc (09022015). Collection method: clinical testing. Allele origin: germline.
Comment: This sequence change replaces glutamic acid, which is acidic and polar, with alanine, which is neutral and non-polar, at codon 84 of the CSF3R protein (p.Glu84Ala). This variant is present in population databases (rs565088221, gnomAD 0.009%). This variant has not been reported in the literature in individuals affected with CSF3R-related conditions. ClinVar contains an entry for this variant (Variation ID: 1448923). An algorithm developed to predict the effect of missense changes on protein structure and function (PolyPhen-2) suggests that this variant¬†is likely to be tolerated. In summary, the available evidence is currently insufficient to determine the role of this variant in disease. Therefore, it has been classified as a Variant of Uncertain Significance.

Ambry Genetics
Classification: Uncertain significance for Inborn genetic diseases. Last evaluated: 2023-10-30. Review status: criteria provided, single submitter. Criteria: Ambry Variant Classification Scheme 2023. Collection method: clinical testing. Allele origin: germline.

Mayo Clinic Laboratories, Mayo Clinic
Classification: Uncertain significance. Last evaluated: 2022-08-08. Review status: criteria provided, single submitter. Criteria: ACMG Guidelines, 2015. Collection method: clinical testing. Allele origin: germline. Observed: 1 variant allele.
Comment: BP4